The following is an entry in ClinVar:

ClinVar aggregate classification (germline): Likely pathogenic (0 of 4 stars; one submission).

Conditions:
ALG1-congenital disorder of glycosylation. Also called: ALG1-CDG; CONGENITAL DISORDER OF GLYCOSYLATION, TYPE Ik; CDG Ik. Identifiers: Orphanet 79327, MedGen C2931005, MONDO:0012052, OMIM 608540.

Allele frequency attached by ClinVar (database versions not stated): gnomAD exomes below 0.00001.
gnomAD v4.1: 1 of 1,596,444 alleles (0.000063%); highest among the groups gnomAD compares: Non-Finnish European, 0.000085%; no homozygotes.

Submission:

Institute of Human Genetics, Cologne University
Classification: Likely pathogenic for ALG1-congenital disorder of glycosylation. Last evaluated: 2021-03-05. Review status: no assertion criteria provided. Collection method: clinical testing. Allele origin: germline. Inheritance: Autosomal recessive inheritance. Affected: yes. Observed: 1 variant allele, 1 compound heterozygote.
Comment: PM2_supporting, PP3, PM3_strong (the variant was found compound-heterozygous with p.S258L in the patient (1 point) and was found in homozygous state in two affected siblings of an unrelated family (additional 1 point), personal communication Johannes Gutenberg University, Mainz) , according to ClinGen recommendation v1.0 for PM3, PP4.

NM_019109.5(ALG1):c.1280T>G (p.Phe427Cys)

Genes: ALG1 (ALG1 chitobiosyldiphosphodolichol beta-mannosyltransferase; plus strand), EEF2KMT (eukaryotic elongation factor 2 lysine methyltransferase; minus strand). Cytogenetic location: 16p13.3.
Variant type: single nucleotide variant.
Coding change: c.1280T>G on transcript NM_019109.5 (MANE Select); coding-DNA position 1280, T replaced by G.
Protein change: p.Phe427Cys; replaces phenylalanine 427 with cysteine.
Molecular consequence: missense variant. On other transcripts: 3 prime UTR variant (3).
Genome position (GRCh38, 1-based): chr16:5,084,766, T>G. VCF-style: chr16-5084766-T-G. GRCh37 (hg19) VCF-style: chr16-5134767-T-G.
Other names: c.*866A>C (NM_001289029.2, NM_201400.4, NM_201598.4); c.947T>G, p.Phe316Cys (NM_001330504.2); short protein forms F316C, F427C.
Identifiers: ClinVar variation 1012177 (VCV001012177.1), dbSNP rs1957090242, ClinGen allele CA394674829.